The following is an entry in ClinVar:

ClinVar aggregate classification (germline): Pathogenic (1 of 4 stars; one submission).

Conditions:
Hypertrophic cardiomyopathy. Also called: HYPERTROPHIC MYOCARDIOPATHY. Identifiers: Orphanet 217569, MedGen C0007194, MeSH D002312, MONDO:0005045, HP:0001639.

Submission:

Labcorp Genetics (formerly Invitae), Labcorp
Classification: Pathogenic for Hypertrophic cardiomyopathy. Last evaluated: 2022-03-26. Review status: criteria provided, single submitter. Criteria: Invitae Variant Classification Sherloc (09022015). Collection method: clinical testing. Allele origin: germline.
Comment: For these reasons, this variant has been classified as Pathogenic. This variant has not been reported in the literature in individuals affected with MYBPC3-related conditions. This variant is not present in population databases (gnomAD no frequency). This sequence change creates a premature translational stop signal (p.Pro870Alafs*8) in the MYBPC3 gene. It is expected to result in an absent or disrupted protein product. Loss-of-function variants in MYBPC3 are known to be pathogenic (PMID: 19574547).

Literature cited by the submitters: PubMed 19574547.

NM_000256.3(MYBPC3):c.2604_2607del (p.Pro870fs)

Gene: MYBPC3 (myosin binding protein C3; minus strand). Cytogenetic location: 11p11.2.
Variant type: Deletion.
Coding change: c.2604_2607del on transcript NM_000256.3 (MANE Select); coding-DNA positions 2604 to 2607, 4 bases deleted (TCCC; older notation c.2604_2607delTCCC).
Protein change: p.Pro870fs; shifts the reading frame from proline 870.
Molecular consequence: frameshift variant.
Genome position (GRCh38, 1-based): chr11:47,336,007-47,336,010, GGGA deleted on the plus strand (TCCC on the coding strand, the reverse complement: MYBPC3 is on the minus strand). VCF-style (leftmost placement, unchanged base first): chr11-47336006-GGGGA-G. GRCh37 (hg19) VCF-style: chr11-47357557-GGGGA-G.
Other names: short protein forms P870fs.
Identifiers: ClinVar variation 2116806 (VCV002116806.4), dbSNP rs2495746800, ClinGen allele CA2580084279.